The following is an entry in ClinVar:

ClinVar aggregate classification (germline): Uncertain significance (1 of 4 stars; one submission).

Conditions:
Infantile-onset ascending hereditary spastic paralysis (IAHSP). Also called: Infantile-Onset Ascending Hereditary Spastic Paralysis (IAHSP); Autosomal Recessive Juvenile Amyotrophic Lateral Sclerosis. Identifiers: Orphanet 293168, MedGen C2931441, MONDO:0011797, OMIM 607225. Disease mechanism: loss of function.

Submission:

Labcorp Genetics (formerly Invitae), Labcorp
Classification: Uncertain significance for Infantile-onset ascending hereditary spastic paralysis. Last evaluated: 2020-01-09. Review status: criteria provided, single submitter. Criteria: Invitae Variant Classification Sherloc (09022015). Collection method: clinical testing. Allele origin: germline.
Comment: In summary, the available evidence is currently insufficient to determine the role of this variant in disease. Therefore, it has been classified as a Variant of Uncertain Significance. Algorithms developed to predict the effect of missense changes on protein structure and function (SIFT, PolyPhen-2, Align-GVGD) all suggest that this variant is likely to be disruptive, but these predictions have not been confirmed by published functional studies and their clinical significance is uncertain. This variant has not been reported in the literature in individuals with ALS2-related conditions. This variant is not present in population databases (ExAC no frequency). This sequence change replaces proline with arginine at codon 1479 of the ALS2 protein (p.Pro1479Arg). The proline residue is highly conserved and there is a moderate physicochemical difference between proline and arginine.

NM_020919.4(ALS2):c.4436C>G (p.Pro1479Arg)

Gene: ALS2 (alsin Rho guanine nucleotide exchange factor ALS2; minus strand). Cytogenetic location: 2q33.1.
Variant type: single nucleotide variant.
Coding change: c.4436C>G on transcript NM_020919.4 (MANE Select); coding-DNA position 4436, C replaced by G.
Protein change: p.Pro1479Arg; replaces proline 1479 with arginine.
Molecular consequence: missense variant.
Genome position (GRCh38, 1-based): chr2:201,706,990, G>C on the plus strand (C>G on the coding strand, the complement: ALS2 is on the minus strand). VCF-style: chr2-201706990-G-C. GRCh37 (hg19) VCF-style: chr2-202571713-G-C.
Other names: short protein forms P1479R.
Identifiers: ClinVar variation 848724 (VCV000848724.9), dbSNP rs769600851, ClinGen allele CA350322213.